The following is an entry in ClinVar:

ClinVar aggregate classification (germline): Conflicting classifications of pathogenicity. Review status: criteria provided, conflicting classifications (1 of 4 stars). 2 submissions from 2 submitters: Likely pathogenic (1); Uncertain significance (1). Last evaluated 2025-04-26.

Conditions:
Developmental and epileptic encephalopathy, 50 (DEE50). Also called: Epileptic encephalopathy, early infantile, 50. Identifiers: Orphanet 448010, MedGen C4225320, MONDO:0014647, OMIM 616457.

Allele frequency attached by ClinVar (database versions not stated): gnomAD 0.00001.
gnomAD v4.1: 1 of 1,613,964 alleles (0.000062%); highest among the groups gnomAD compares: African/African-American, 0.0013%; no homozygotes.

Submissions (2):

Labcorp Genetics (formerly Invitae), Labcorp
Classification: Likely pathogenic. Last evaluated: 2025-04-26. Review status: criteria provided, single submitter. Criteria: Invitae Variant Classification Sherloc (09022015). Collection method: clinical testing. Allele origin: germline.
Comment: This sequence change affects an acceptor splice site in intron 26 of the CAD gene. It is expected to disrupt RNA splicing. Variants that disrupt the donor or acceptor splice site typically lead to a loss of protein function (PMID: 16199547), and loss-of-function variants in CAD are known to be pathogenic (PMID: 28007989, 32117025, 32820246, 33497533). This variant is present in population databases (no rsID available, gnomAD 0.01%). Disruption of this splice site has been observed in individual(s) with clinical features of autosomal recessive epileptic encephalopathy with cerebellar atrophy (PMID: 32461667). ClinVar contains an entry for this variant (Variation ID: 989329). Algorithms developed to predict the effect of sequence changes on RNA splicing suggest that this variant may disrupt the consensus splice site. In summary, the currently available evidence indicates that the variant is pathogenic, but additional data are needed to prove that conclusively. Therefore, this variant has been classified as Likely Pathogenic.

Illumina Laboratory Services, Illumina
Classification: Uncertain significance for Developmental and epileptic encephalopathy, 50. Last evaluated: 2019-08-14. Review status: criteria provided, single submitter. Criteria: ICSLVariantClassificationCriteria RUGD 01 April 2020. Collection method: clinical testing. Allele origin: unknown.
Comment: The CAD c.4315-1G>A variant occurs in a canonical splice site (acceptor) and is therefore predicted to disrupt or distort the normal gene product. A literature search was performed for the gene and cDNA change. No publications were found based on this search. This variant is reported at a frequency of 0.000115 in the African population from the Genome Aggregation Database, though this is based on one allele in a region of good sequencing coverage so the variant is presumed to be rare. Based on the limited evidence, the c.4315-1G>A variant is classified as a variant of uncertain significance for CAD-related early infantile epileptic encephalopathy.

Literature cited by the submitters: PubMed 16199547 (cited by Labcorp Genetics (formerly Invitae), Labcorp); PubMed 28007989 (cited by Labcorp Genetics (formerly Invitae), Labcorp); PubMed 32117025 (cited by Labcorp Genetics (formerly Invitae), Labcorp); PubMed 32820246 (cited by Labcorp Genetics (formerly Invitae), Labcorp); PubMed 33497533 (cited by Labcorp Genetics (formerly Invitae), Labcorp); PubMed 32461667 (cited by Labcorp Genetics (formerly Invitae), Labcorp).

NM_004341.5(CAD):c.4315-1G>A

Gene: CAD (carbamoyl-phosphate synthetase 2, aspartate transcarbamylase, and dihydroorotase; plus strand). Cytogenetic location: 2p23.3.
Variant type: single nucleotide variant.
Coding change: c.4315-1G>A on transcript NM_004341.5 (MANE Select); the canonical splice acceptor site of the intron before coding-DNA position 4315, G replaced by A.
Molecular consequence: splice acceptor variant.
Genome position (GRCh38, 1-based): chr2:27,236,748, G>A. VCF-style: chr2-27236748-G-A. GRCh37 (hg19) VCF-style: chr2-27459616-G-A.
Other names: c.4126-1G>A (NM_001306079.2).
Identifiers: ClinVar variation 989329 (VCV000989329.8), dbSNP rs1291590169, ClinGen allele CA346219373.
Genomic context (GRCh38, chr2:27,236,748, plus strand): 5'-ATCTCTCCCTACAACTCCCAGGATCACCCTTCCCTTAAAGCTGACTGCTTTCCACTTGCA[G>A]GCCCTAGGCCAGATCGGGCCAGCCCCTCCTTTGAAGGTGCATGTTGACTGTATGACCTCC-3'